The following is an entry in ClinVar:

NM_000174.5(GP9):c.284A>C (p.Tyr95Ser)

Gene: GP9 (glycoprotein IX platelet; plus strand). Cytogenetic location: 3q21.3.
Variant type: single nucleotide variant.
Coding change: c.284A>C on transcript NM_000174.5 (MANE Select); coding-DNA position 284, A replaced by C.
Protein change: p.Tyr95Ser; replaces tyrosine 95 with serine.
Molecular consequence: missense variant.
Genome position (GRCh38, 1-based): chr3:129,062,023, A>C. VCF-style: chr3-129062023-A-C. GRCh37 (hg19) VCF-style: chr3-128780866-A-C.
Other names: NM_000174.5:c.284A>C; short protein forms Y95S.
Identifiers: ClinVar variation 4849240 (VCV004849240.1).

ClinVar aggregate classification (germline): Uncertain significance (3 of 4 stars; one submission).

Conditions:
Bernard Soulier syndrome (BSS). Also called: BLEEDING DISORDER, PLATELET-TYPE, 1; PLATELET GLYCOPROTEIN Ib DEFICIENCY; VON WILLEBRAND FACTOR RECEPTOR DEFICIENCY; Platelet Glycoprotein 1b, Deficiency of; Giant platelet syndrome; Hemorrhagiparous thrombocytic dystrophy. Identifiers: Orphanet 274, MedGen C0005129, MeSH D001606, MONDO:0009276, OMIM 231200.

Submission:

ClinGen Platelet Disorders Variant Curation Expert Panel, ClinGen
Classification: Uncertain significance for Bernard Soulier syndrome. Last evaluated: 2026-01-20. Review status: reviewed by expert panel. Criteria: ClinGen Platelet ACMG Specifications GP9 V1.0.0. Collection method: curation. Allele origin: germline. Inheritance: Autosomal recessive inheritance.
Comment: The c.284A>C variant in GP9 is a missense variant predicted to cause substitution of Tyrosine by Serine at amino acid 95 (p.Tyr95Ser). At least one patient (Patient P12 in PMID: 21173099) with this variant had aggregation absent for ristocetin and present for all other agonists as well as less than 10% expression of GPIba and GP9 as measured by flow cytometry, which is highly specific for Bernard-Soulier syndrome. Additionally, the patient had excessive mucocutaneous bleeding consistent with Bernard-Soulier syndrome (PP4). The computational predictor REVEL gives a score of 0.689, which is above the ClinGen PD VCEP threshold of >0.644 and predicts a damaging effect on function (PP3). This variant is absent from gnomAD v4.1.0 (PM2_Supporting). Another missense variant in the same codon has been reported in a patient with Bernard-Soulier syndrome; NM_000174.5(GP9):c.284A>G (p.Tyr95Cys) and classified likely pathogenic by the ClinGen PD VCEP (PM5_supporting). In summary, this variant meets the criteria to be classified as VUS for autosomal recessive Bernard-Soulier syndrome based on the ACMG/AMP criteria applied, as specified by the ClinGen PD VCEP: PP4, PM3_Supporting, PP3, PM5_supporting and PM2_Supporting (VCEP specifications version 1).